The following is an entry in ClinVar:

ClinVar aggregate classification (germline): Uncertain significance (1 of 4 stars; one submission).

Conditions:
Emery-Dreifuss muscular dystrophy 5, autosomal dominant (EDMD5). Also called: EMERY-DREIFUSS MUSCULAR DYSTROPHY 5. Identifiers: Orphanet 261, MedGen C2751805, MONDO:0013072, OMIM 612999.

Allele frequency attached by ClinVar (database versions not stated): gnomAD exomes 0.00001.
gnomAD v4.1: 1 of 1,613,362 alleles (0.000062%); highest among the groups gnomAD compares: East Asian, 0.0022%; no homozygotes.

Submission:

Labcorp Genetics (formerly Invitae), Labcorp
Classification: Uncertain significance for Emery-Dreifuss muscular dystrophy 5, autosomal dominant. Last evaluated: 2025-07-10. Review status: criteria provided, single submitter. Criteria: Invitae Variant Classification Sherloc (09022015). Collection method: clinical testing. Allele origin: germline.
Comment: This sequence change replaces asparagine, which is neutral and polar, with serine, which is neutral and polar, at codon 1164 of the SYNE2 protein (p.Asn1164Ser). This variant is present in population databases (no rsID available, gnomAD 0.01%). This variant has not been reported in the literature in individuals affected with SYNE2-related conditions. ClinVar contains an entry for this variant (Variation ID: 1384026). An algorithm developed to predict the effect of missense changes on protein structure and function outputs the following: PolyPhen-2: "Benign". The serine amino acid residue is found in multiple mammalian species, which suggests that this missense change does not adversely affect protein function. In summary, the available evidence is currently insufficient to determine the role of this variant in disease. Therefore, it has been classified as a Variant of Uncertain Significance.

NM_182914.3(SYNE2):c.3491A>G (p.Asn1164Ser)

Gene: SYNE2 (spectrin repeat containing nuclear envelope protein 2; plus strand). Cytogenetic location: 14q23.2.
Variant type: single nucleotide variant.
Coding change: c.3491A>G on transcript NM_182914.3 (MANE Select); coding-DNA position 3491, A replaced by G.
Protein change: p.Asn1164Ser; replaces asparagine 1164 with serine.
Molecular consequence: missense variant.
Genome position (GRCh38, 1-based): chr14:64,000,572, A>G. VCF-style: chr14-64000572-A-G. GRCh37 (hg19) VCF-style: chr14-64467290-A-G.
Other names: c.3491A>G, p.Asn1164Ser (NM_015180.6); short protein forms N1164S.
Identifiers: ClinVar variation 1384026 (VCV001384026.6), dbSNP rs1187492375, ClinGen allele CA389992282.